The following is an entry in ClinVar:

ClinVar aggregate classification (germline): Uncertain significance (1 of 4 stars; one submission).

Submission:

Women's Health and Genetics/Laboratory Corporation of America, LabCorp
Classification: Uncertain significance. Last evaluated: 2025-01-07. Review status: criteria provided, single submitter. Criteria: LabCorp Variant Classification Summary - May 2015. Collection method: clinical testing. Allele origin: germline.
Comment: Variant summary: F9 c.1031T>A (p.Ile344Asn) results in a non-conservative amino acid change located in the Serine proteases, trypsin domain (IPR001254) of the encoded protein sequence. Four of five in-silico tools predict a benign effect of the variant on protein function. The variant was absent in 183378 control chromosomes. The available data on variant occurrences in the general population are insufficient to allow any conclusion about variant significance. To our knowledge, no occurrence of c.1031T>A in individuals affected with Factor IX Deficiency (Hemophilia B) and no experimental evidence demonstrating its impact on protein function have been reported. No submitters have cited clinical-significance assessments for this variant to ClinVar. Based on the evidence outlined above, the variant was classified as uncertain significance.

NM_000133.4(F9):c.1031T>A (p.Ile344Asn)

Gene: F9 (coagulation factor IX; plus strand). Cytogenetic location: Xq27.1.
Variant type: single nucleotide variant.
Coding change: c.1031T>A on transcript NM_000133.4 (MANE Select); coding-DNA position 1031, T replaced by A.
Protein change: p.Ile344Asn; replaces isoleucine 344 with asparagine.
Molecular consequence: missense variant.
Genome position (GRCh38, 1-based): chrX:139,561,716, T>A. VCF-style: chrX-139561716-T-A. GRCh37 (hg19) VCF-style: chrX-138643875-T-A.
Other names: c.917T>A, p.Ile306Asn (NM_001313913.2); short protein forms I306N, I344N.
Identifiers: ClinVar variation 3769226 (VCV003769226.2).
Genomic context (GRCh38, chrX:139,561,716, plus strand): 5'-CCTTAGTGCTAAACAGCTACGTTACACCTATTTGCATTGCTGACAAGGAATACACGAACA[T>A]CTTCCTCAAATTTGGATCTGGCTATGTAAGTGGCTGGGGAAGAGTCTTCCACAAAGGGAG-3'
Protein context (NP_000124.1, residues 334-354): ICIADKEYTN[Ile344Asn]FLKFGSGYVS